The following is an entry in ClinVar:

ClinVar aggregate classification (germline): Likely pathogenic (1 of 4 stars; one submission).

Conditions:
Pontocerebellar hypoplasia, type 12. Identifiers: Orphanet 611256, MedGen C4748873, MONDO:0032643, OMIM 618266.

Submission:

3billion
Classification: Likely pathogenic for Pontocerebellar hypoplasia, type 12. Last evaluated: 2023-08-11. Review status: criteria provided, single submitter. Criteria: ACMG Guidelines, 2015. Collection method: clinical testing. Allele origin: germline. Affected: yes.
Comment: The variant is not observed in the gnomAD v2.1.1 dataset. Predicted Consequence/Location: Frameshift: predicted to result in a loss or disruption of normal protein function through nonsense-mediated decay (NMD) or protein truncation. Multiple pathogenic variants are reported downstream of the variant. Therefore, this variant is classified as Likely pathogenic according to the recommendation of ACMG/AMP guideline.

NM_025233.7(COASY):c.586_587del (p.Val196fs)

Gene: COASY (Coenzyme A synthase; plus strand). Cytogenetic location: 17q21.2.
Variant type: Deletion.
Coding change: c.586_587del on transcript NM_025233.7 (MANE Select); coding-DNA positions 586 to 587, 2 bases deleted (GT; older notation c.586_587delGT).
Protein change: p.Val196fs; shifts the reading frame from valine 196.
Molecular consequence: frameshift variant.
Genome position (GRCh38, 1-based): chr17:42,563,208-42,563,209, GT deleted; deleting any 2 consecutive bases within chr17:42,563,207-42,563,209 gives the same sequence; the c. name uses the placement nearest the transcript's 3' end. VCF-style (leftmost placement, unchanged base first): chr17-42563206-CTG-C. GRCh37 (hg19) VCF-style: chr17-40715224-CTG-C.
Other names: c.586_587del, p.Val196fs (NM_001042529.3); c.673_674del, p.Val225fs (NM_001042532.4); short protein forms V196fs, V225fs.
Identifiers: ClinVar variation 3775291 (VCV003775291.1).